The following is an entry in ClinVar:

ClinVar aggregate classification (germline): Pathogenic (1 of 4 stars; one submission).

Conditions:
MASA syndrome. Also called: MASA (Mental Retardation, Adducted Thumbs, Shuffling Gait, Aphasia) Syndrome, Including SPG1 (X-Linked Complicated Hereditary Spastic Paraplegia Type 1); CLASPED THUMB AND MENTAL RETARDATION; ADDUCTED THUMB WITH MENTAL RETARDATION; GAREIS-MASON SYNDROME; MENTAL RETARDATION, APHASIA, SHUFFLING GAIT, AND ADDUCTED THUMBS; MASA Syndrome (Mental Retardation, Adducted Thumbs, Shuffling Gait, and Aphasia). Identifiers: Orphanet 2466, MedGen C0795953, MONDO:0010559, OMIM 303350.
X-linked hydrocephalus syndrome (HYCX). Also called: X-Linked Hydrocephalus with Stenosis of the Aqueduct of Sylvius (HSAS); AQUEDUCTAL STENOSIS, X-LINKED; HYDROCEPHALUS, CONGENITAL, X-LINKED; X-Linked Hydrocephalus with Stenosis of the Aqueduct of Sylvius; X-linked hydrocephalus. Identifiers: Orphanet 2182, MedGen C0265216, MONDO:0010611, OMIM 307000.
X-linked complicated corpus callosum dysgenesis. Also called: X-Linked Complicated Corpus Callosum Agenesis. Identifiers: Orphanet 1497, MedGen C1839909, MONDO:0010569, OMIM 304100.

Submission:

Juno Genomics, Hangzhou Juno Genomics, Inc
Classification: Pathogenic for X-linked complicated corpus callosum dysgenesis; X-linked hydrocephalus syndrome; MASA syndrome. Review status: criteria provided, single submitter. Criteria: ACMG Guidelines, 2015. Collection method: clinical testing. Allele origin: germline. Affected: yes.
Comment: Absent from controls (or at extremely low frequency if recessive) in Genome Aggregation Database, Exome Sequencing Project, 1000 Genomes Project, or Exome Aggregation Consortium.;Null variant in a gene where loss of function (LOF) is a known mechanism of disease.;Patient's phenotype or family history is highly specific for a disease with a single genetic etiology.

NM_001278116.2(L1CAM):c.421_425dup (p.Val143fs)

Gene: L1CAM (L1 cell adhesion molecule; minus strand). Cytogenetic location: Xq28.
Variant type: Duplication.
Coding change: c.421_425dup on transcript NM_001278116.2 (MANE Select); coding-DNA positions 421 to 425, 5 bases duplicated (GAGAC; older notation c.421_425dupGAGAC).
Protein change: p.Val143fs; shifts the reading frame from valine 143.
Molecular consequence: frameshift variant.
Genome position (GRCh38, 1-based): chrX:153,871,155-153,871,159, GTCTC duplicated on the plus strand (GAGAC on the coding strand, the reverse complement: L1CAM is on the minus strand). VCF-style (leftmost placement, unchanged base first): chrX-153871154-T-TGTCTC. GRCh37 (hg19) VCF-style: chrX-153136609-T-TGTCTC.
Other names: c.421_425dup, p.Val143fs (NM_024003.3, NM_000425.5); c.406_410dup, p.Val138fs (NM_001143963.2); short protein forms V138fs, V143fs.
Identifiers: ClinVar variation 3764730 (VCV003764730.2).